The following is an entry in ClinVar:

ClinVar aggregate classification (germline): Uncertain significance (1 of 4 stars; one submission).

Conditions:
Hereditary cancer-predisposing syndrome. Also called: Hereditary neoplastic syndrome; Tumor predisposition; Hereditary Cancer Syndrome; Neoplastic Syndromes, Hereditary. Identifiers: Orphanet 140162, MedGen C0027672, MeSH D009386, MONDO:0015356.

Submission:

Ambry Genetics
Classification: Uncertain significance for Hereditary cancer-predisposing syndrome. Last evaluated: 2023-08-29. Review status: criteria provided, single submitter. Criteria: Ambry Variant Classification Scheme 2023. Collection method: clinical testing. Allele origin: germline.
Comment: The p.H317D variant (also known as c.949C>G), located in coding exon 8 of the MRE11A gene, results from a C to G substitution at nucleotide position 949. The histidine at codon 317 is replaced by aspartic acid, an amino acid with similar properties. This amino acid position is conserved. In addition, this alteration is predicted to be tolerated by in silico analysis. Since supporting evidence is limited at this time, the clinical significance of this alteration remains unclear.

NM_005591.4(MRE11):c.949C>G (p.His317Asp)

Gene: MRE11 (MRE11 double strand break repair nuclease; minus strand). Cytogenetic location: 11q21.
Variant type: single nucleotide variant.
Coding change: c.949C>G on transcript NM_005591.4 (MANE Select); coding-DNA position 949, C replaced by G.
Protein change: p.His317Asp; replaces histidine 317 with aspartic acid.
Molecular consequence: missense variant.
Genome position (GRCh38, 1-based): chr11:94,470,539, G>C on the plus strand (C>G on the coding strand, the complement: MRE11 is on the minus strand). VCF-style: chr11-94470539-G-C. GRCh37 (hg19) VCF-style: chr11-94203705-G-C.
Other names: c.949C>G, p.His317Asp (NM_001330347.2, NM_005590.4); short protein forms H317D.
Identifiers: ClinVar variation 2586216 (VCV002586216.2), dbSNP rs2135039395, ClinGen allele CA382374360.
Genomic context (GRCh38, chr11:94,470,539, plus strand): 5'-AACAGAAGCTTTGTATGGCTTGGGTTACTTTAGGATTATCTGGGTTAAAAATGTCTGGAT[G>C]ATTAGCTAGAACAATATCCTCCATGAAAAACTGCCGCACTGTGTGAAGAGGAATTTTATG-3'
Protein context (NP_005582.1, residues 307-327): FFMEDIVLAN[His317Asp]PDIFNPDNPK